The following is an entry in ClinVar:

ClinVar aggregate classification (germline): Uncertain significance (1 of 4 stars; one submission).

Allele frequency attached by ClinVar (database versions not stated): TOPMed below 0.00001; gnomAD 0.00001; gnomAD exomes 0.00001.

Submission:

Labcorp Genetics (formerly Invitae), Labcorp
Classification: Uncertain significance. Last evaluated: 2022-09-21. Review status: criteria provided, single submitter. Criteria: Invitae Variant Classification Sherloc (09022015). Collection method: clinical testing. Allele origin: germline.
Comment: This variant has not been reported in the literature in individuals affected with CLCN6-related conditions. In summary, the available evidence is currently insufficient to determine the role of this variant in disease. Therefore, it has been classified as a Variant of Uncertain Significance. Algorithms developed to predict the effect of missense changes on protein structure and function are either unavailable or do not agree on the potential impact of this missense change (SIFT: "Deleterious"; PolyPhen-2: "Benign"; Align-GVGD: "Class C65"). This variant is not present in population databases (gnomAD no frequency). This sequence change replaces arginine, which is basic and polar, with cysteine, which is neutral and slightly polar, at codon 55 of the CLCN6 protein (p.Arg55Cys).

NM_001286.5(CLCN6):c.163C>T (p.Arg55Cys)

Gene: CLCN6 (chloride voltage-gated channel 6; plus strand). Cytogenetic location: 1p36.22.
Variant type: single nucleotide variant.
Coding change: c.163C>T on transcript NM_001286.5 (MANE Select); coding-DNA position 163, C replaced by T.
Protein change: p.Arg55Cys; replaces arginine 55 with cysteine.
Molecular consequence: missense variant. On other transcripts: non-coding transcript variant (1), intron variant (1).
Genome position (GRCh38, 1-based): chr1:11,815,861, C>T. VCF-style: chr1-11815861-C-T. GRCh37 (hg19) VCF-style: chr1-11875918-C-T.
Other names: c.148-754C>T (NM_001256959.2); short protein forms R55C.
Identifiers: ClinVar variation 1901185 (VCV001901185.5), dbSNP rs1570519033, ClinGen allele CA338425413.